The following is an entry in ClinVar:

NM_000135.4(FANCA):c.3586G>C (p.Glu1196Gln)

Gene: FANCA (FA complementation group A; minus strand). Cytogenetic location: 16q24.3.
Variant type: single nucleotide variant.
Coding change: c.3586G>C on transcript NM_000135.4 (MANE Select); coding-DNA position 3586, G replaced by C.
Protein change: p.Glu1196Gln; replaces glutamic acid 1196 with glutamine.
Molecular consequence: missense variant.
Genome position (GRCh38, 1-based): chr16:89,744,999, C>G on the plus strand (G>C on the coding strand, the complement: FANCA is on the minus strand). VCF-style: chr16-89744999-C-G. GRCh37 (hg19) VCF-style: chr16-89811407-C-G.
Other names: c.3586G>C (NM_000135.2); c.3586G>C, p.Glu1196Gln (NM_001286167.3); short protein forms E1196Q.
Identifiers: ClinVar variation 1421105 (VCV001421105.9), dbSNP rs1390620949, ClinGen allele CA397485654.

ClinVar aggregate classification (germline): Uncertain significance. Review status: criteria provided, multiple submitters, no conflicts (2 of 4 stars). 2 submissions from 2 submitters: Uncertain significance (2). Last evaluated 2025-08-25.

Conditions:
Inborn genetic diseases. Identifiers: MedGen C0950123, MeSH D030342.
Fanconi anemia (FA). Also called: Fanconi's anemia. Identifiers: Orphanet 84, MedGen C0015625, MeSH D005199, MONDO:0019391.

Submissions (2):

Ambry Genetics
Classification: Uncertain significance for Inborn genetic diseases. Last evaluated: 2025-08-25. Review status: criteria provided, single submitter. Criteria: Ambry Variant Classification Scheme 2023. Collection method: clinical testing. Allele origin: germline.
Comment: The p.E1196Q variant (also known as c.3586G>C), located in coding exon 36 of the FANCA gene, results from a G to C substitution at nucleotide position 3586. The glutamic acid at codon 1196 is replaced by glutamine, an amino acid with highly similar properties. This amino acid position is conserved. In addition, the in silico prediction for this alteration is inconclusive. Based on the available evidence, the clinical significance of this variant remains unclear.

Labcorp Genetics (formerly Invitae), Labcorp
Classification: Uncertain significance for Fanconi anemia. Last evaluated: 2020-11-05. Review status: criteria provided, single submitter. Criteria: Invitae Variant Classification Sherloc (09022015). Collection method: clinical testing. Allele origin: germline.
Comment: In summary, the available evidence is currently insufficient to determine the role of this variant in disease. Therefore, it has been classified as a Variant of Uncertain Significance. Advanced modeling of protein sequence and biophysical properties (such as structural, functional, and spatial information, amino acid conservation, physicochemical variation, residue mobility, and thermodynamic stability) performed at Invitae indicates that this missense variant is not expected to disrupt FANCA protein function. This variant has not been reported in the literature in individuals with FANCA-related conditions. This variant is not present in population databases (ExAC no frequency). This sequence change replaces glutamic acid with glutamine at codon 1196 of the FANCA protein (p.Glu1196Gln). The glutamic acid residue is moderately conserved and there is a small physicochemical difference between glutamic acid and glutamine.